The following is an entry in ClinVar:

ClinVar aggregate classification (germline): Conflicting classifications of pathogenicity. Review status: criteria provided, conflicting classifications (1 of 4 stars). 4 submissions from 4 submitters: Uncertain significance (3); Likely benign (1). Last evaluated 2025-10-01.

Conditions:
MEN1-related disorder. Also called: MEN1-related condition.
Hereditary cancer-predisposing syndrome. Also called: Tumor predisposition; Hereditary Cancer Syndrome; Neoplastic Syndromes, Hereditary; Hereditary neoplastic syndrome. Identifiers: Orphanet 140162, MedGen C0027672, MeSH D009386, MONDO:0015356.
Multiple endocrine neoplasia, type 1 (MEN1). Also called: Endocrine adenomatosis multiple; MEN 1; MEN I; WERMER SYNDROME; MEA I. Identifiers: Orphanet 652, MedGen C0025267, MeSH D018761, MONDO:0007540, OMIM 131100.

Allele frequency attached by ClinVar (database versions not stated): gnomAD exomes below 0.00001; TOPMed 0.00001; gnomAD 0.00002.
gnomAD v4.1: 5 of 1,613,404 alleles (0.00031%); highest among the groups gnomAD compares: Admixed American, 0.0017%; no homozygotes.

Submissions (4):

Labcorp Genetics (formerly Invitae), Labcorp
Classification: Likely benign for Multiple endocrine neoplasia, type 1. Last evaluated: 2025-10-01. Review status: criteria provided, single submitter. Criteria: Invitae Variant Classification Sherloc (09022015). Collection method: clinical testing. Allele origin: germline.

Ambry Genetics
Classification: Uncertain significance for Hereditary cancer-predisposing syndrome. Last evaluated: 2025-08-22. Review status: criteria provided, single submitter. Criteria: Ambry Variant Classification Scheme 2023. Collection method: clinical testing. Allele origin: germline.
Comment: The c.1185+4A>G intronic variant results from an A to G substitution 4 nucleotides after coding exon 7 in the MEN1 gene. This nucleotide position is well conserved in available vertebrate species. In silico splice site analysis for this alteration is inconclusive. Since supporting evidence is limited at this time, the clinical significance of this variant remains unclear.

All of Us Research Program, National Institutes of Health
Classification: Uncertain significance for Multiple endocrine neoplasia, type 1. Last evaluated: 2023-12-13. Review status: criteria provided, single submitter. Criteria: ACMG Guidelines, 2015. Collection method: clinical testing. Allele origin: germline. Inheritance: Autosomal dominant inheritance. Observed: 2 variant alleles, 2 heterozygotes.
Comment: This variant causes an A to G nucleotide substitution at the +4 position of intron 8 of the MEN1 gene. Splice site prediction tools predict that this variant may have a significant impact on RNA splicing. Although this prediction has not been confirmed in published RNA studies, this variant is expected to result in an absent or disrupted protein product. To our knowledge, functional studies have not been reported for this variant. This variant has not been reported in individuals affected with MEN1-related disorders in the literature. This variant has not been identified in the general population by the Genome Aggregation Database (gnomAD). The available evidence is insufficient to determine the role of this variant in disease conclusively. Therefore, this variant is classified as a Variant of Uncertain Significance.

This study involves interpretation of variants in research participants for the purpose of population health screening. Participant phenotype was not available at the time of variant classification. Additional details can be found in publication PMID: 35346344, PMCID: PMC8962531

PreventionGenetics, part of Exact Sciences
Classification: Uncertain significance for MEN1-related condition. Last evaluated: 2022-09-22. Review status: criteria provided, single submitter. Criteria: ACMG Guidelines, 2015. Collection method: clinical testing. Allele origin: germline.
Comment: The MEN1 c.1200+4A>G variant is predicted to interfere with splicing. To our knowledge, this variant has not been reported in the literature or in a large population database, indicating this variant is rare. This variant is listed in ClinVar as uncertain. At this time, the clinical significance of this variant is uncertain due to the absence of conclusive functional and genetic evidence.

NM_001370259.2(MEN1):c.1185+4A>G

Gene: MEN1 (menin 1; minus strand). Cytogenetic location: 11q13.1.
Variant type: single nucleotide variant.
Coding change: c.1185+4A>G on transcript NM_001370259.2 (MANE Select); 4 bases into the intron after coding-DNA position 1185, A replaced by G.
Molecular consequence: intron variant.
Genome position (GRCh38, 1-based): chr11:64,805,631, T>C on the plus strand (A>G on the coding strand, the complement: MEN1 is on the minus strand). VCF-style: chr11-64805631-T-C. GRCh37 (hg19) VCF-style: chr11-64573103-T-C.
Other names: c.1200+4A>G (NM_130804.3, NM_130803.3, NM_000244.4 and 4 more transcripts); c.1185+4A>G (NM_130799.3, NM_001370260.2, NM_001370261.2); c.1311+4A>G (NM_001370251.2); c.1080+4A>G (NM_001370263.2, NM_001370262.2).
Identifiers: ClinVar variation 216812 (VCV000216812.17), dbSNP rs863224809, ClinGen allele CA339242.